The following is an entry in ClinVar:

NM_003872.3(NRP2):c.1276G>A (p.Gly426Ser)

Gene: NRP2 (neuropilin 2; plus strand). Cytogenetic location: 2q33.3.
Variant type: single nucleotide variant.
Coding change: c.1276G>A on transcript NM_003872.3 (MANE Select); coding-DNA position 1276, G replaced by A.
Protein change: p.Gly426Ser; replaces glycine 426 with serine.
Molecular consequence: missense variant.
Genome position (GRCh38, 1-based): chr2:205,740,648, G>A. VCF-style: chr2-205740648-G-A. GRCh37 (hg19) VCF-style: chr2-206605372-G-A.
Other names: c.1276G>A, p.Gly426Ser (NM_018534.4, NM_201264.2, NM_201266.2 and 2 more transcripts); short protein forms G426S.
Identifiers: ClinVar variation 3355216 (VCV003355216.1).

ClinVar aggregate classification (germline): Uncertain significance (0 of 4 stars; one submission).

Conditions:
NRP2-related disorder. Also called: NRP2-related condition.

Submission:

PreventionGenetics, part of Exact Sciences
Classification: Uncertain significance for NRP2-related condition. Last evaluated: 2024-01-24. Review status: no assertion criteria provided. Collection method: clinical testing. Allele origin: germline.
Comment: The NRP2 c.1276G>A variant is predicted to result in the amino acid substitution p.Gly426Ser. To our knowledge, this variant has not been reported in the literature. This variant is reported in 0.0029% of alleles in individuals of Latino descent in gnomAD. At this time, the clinical significance of this variant is uncertain due to the absence of conclusive functional and genetic evidence.